The following is an entry in ClinVar:

ClinVar aggregate classification (germline): Likely benign (1 of 4 stars; one submission).

Submission:

CeGaT Center for Human Genetics Tuebingen
Classification: Likely benign. Last evaluated: 2026-05-01. Review status: criteria provided, single submitter. Criteria: CeGaT Center For Human Genetics Tuebingen Variant Classification Criteria Version 2. Collection method: clinical testing. Allele origin: germline. Affected: yes. Observed: 1 variant allele.
Comment: SLC6A8: BP4, BP7

NM_005629.4(SLC6A8):c.474C>T (p.Tyr158=)

Gene: SLC6A8 (solute carrier family 6 member 8; plus strand). Cytogenetic location: Xq28.
Variant type: single nucleotide variant.
Coding change: c.474C>T on transcript NM_005629.4 (MANE Select); coding-DNA position 474, C replaced by T.
Protein change: p.Tyr158=; no amino-acid change (tyrosine 158 retained).
Molecular consequence: synonymous variant.
Genome position (GRCh38, 1-based): chrX:153,691,383, C>T. VCF-style: chrX-153691383-C-T. GRCh37 (hg19) VCF-style: chrX-152956838-C-T.
Other names: c.474C>T, p.Tyr158= (NM_001142805.2); c.129C>T, p.Tyr43= (NM_001142806.1).
Identifiers: ClinVar variation 4873859 (VCV004873859.2).